The following is an entry in ClinVar:

NM_006019.4(TCIRG1):c.1421C>A (p.Ser474Ter)

Gene: TCIRG1 (T cell immune regulator 1, ATPase H+ transporting V0 subunit a3; plus strand). Cytogenetic location: 11q13.2.
Variant type: single nucleotide variant.
Coding change: c.1421C>A on transcript NM_006019.4 (MANE Select); coding-DNA position 1421, C replaced by A.
Protein change: p.Ser474Ter; replaces serine 474 with a stop codon.
Molecular consequence: nonsense.
Genome position (GRCh38, 1-based): chr11:68,047,762, C>A. VCF-style: chr11-68047762-C-A. GRCh37 (hg19) VCF-style: chr11-67815229-C-A.
Other names: c.527C>A, p.Ser176Ter (NM_001351059.2); c.773C>A, p.Ser258Ter (NM_006053.4); short protein forms S176*, S474*, S258*.
Identifiers: ClinVar variation 2137173 (VCV002137173.6), dbSNP rs199914625, ClinGen allele CA381584113.
Genomic context (GRCh38, chr11:68,047,762, plus strand): 5'-CCATCTACACCGGCTTCATCTACAACGAGTGCTTCAGTCGCGCCACCAGCATCTTCCCCT[C>A]GGGCTGGAGTGTGGCCGCCATGGCCAACCAGTCTGGCTGGAGGTGAGGCCCGGGCCCCAG-3'

ClinVar aggregate classification (germline): Pathogenic. Review status: criteria provided, multiple submitters, no conflicts (2 of 4 stars). 2 submissions from 2 submitters: Pathogenic (2). Last evaluated 2025-09-23.

gnomAD v4.1: 1 of 1,613,216 alleles (0.000062%); highest among the groups gnomAD compares: Non-Finnish European, 0.000085%; no homozygotes.

Submissions (2):

Dasa
Classification: Pathogenic. Last evaluated: 2025-09-23. Review status: criteria provided, single submitter. Criteria: DASA Assertion Criteria. Collection method: clinical testing. Allele origin: germline.
Comment: NM_006019.4(TCIRG1):c.1421C>A (p.Ser474*) is a nonsense variant in TCIRG1 predicted to introduce a premature termination codon and is predicted to result in an absent or altered protein product. Loss of function is an established disease mechanism for TCIRG1-associated disorders. This variant has been recurrently observed in individuals with TCIRG1-related disorders (PMID: 15300850; PMID: 11532986; PMID: 19448635; PMID: 10942435; PMID: 10888887). Also, this variant is rare in population databases. Based on the currently available evidence, this variant is classified as pathogenic.

Labcorp Genetics (formerly Invitae), Labcorp
Classification: Pathogenic. Last evaluated: 2022-11-28. Review status: criteria provided, single submitter. Criteria: Invitae Variant Classification Sherloc (09022015). Collection method: clinical testing. Allele origin: germline.
Comment: This sequence change creates a premature translational stop signal (p.Ser474*) in the TCIRG1 gene. It is expected to result in an absent or disrupted protein product. Loss-of-function variants in TCIRG1 are known to be pathogenic (PMID: 10888887, 10942435, 11532986, 19448635). This variant is not present in population databases (gnomAD no frequency). This premature translational stop signal has been observed in individual(s) with osteopetrosis (PMID: 15300850). For these reasons, this variant has been classified as Pathogenic.

Literature cited by the submitters: PubMed 15300850 (cited by Dasa and Labcorp Genetics (formerly Invitae), Labcorp); PubMed 11532986 (cited by Dasa and Labcorp Genetics (formerly Invitae), Labcorp); PubMed 19448635 (cited by Dasa and Labcorp Genetics (formerly Invitae), Labcorp); PubMed 10942435 (cited by Dasa and Labcorp Genetics (formerly Invitae), Labcorp); PubMed 10888887 (cited by Dasa and Labcorp Genetics (formerly Invitae), Labcorp).